The following is an entry in ClinVar:

NM_004100.5(EYA4):c.616_617del (p.Ser206fs)

Gene: EYA4 (EYA transcriptional coactivator and phosphatase 4; plus strand). Cytogenetic location: 6q23.2.
Variant type: Microsatellite.
Coding change: c.616_617del on transcript NM_004100.5 (MANE Select); coding-DNA positions 616 to 617, 2 bases deleted (AG; older notation c.616_617delAG).
Protein change: p.Ser206fs; shifts the reading frame from serine 206.
Molecular consequence: frameshift variant.
Genome position (GRCh38, 1-based): chr6:133,462,656-133,462,657, AG deleted; deleting any 2 consecutive bases within chr6:133,462,652-133,462,657 gives the same sequence; the c. name uses the placement nearest the transcript's 3' end. VCF-style (leftmost placement, unchanged base first): chr6-133462651-CAG-C. GRCh37 (hg19) VCF-style: chr6-133783789-CAG-C.
Other names: c.454_455del, p.Ser152fs (NM_001301012.2, NM_001370459.1); c.616_617del, p.Ser206fs (NM_001301013.2, NM_172105.4); c.547_548del, p.Ser183fs (NM_001370458.1, NM_172103.4); short protein forms S183fs, S152fs, S206fs.
Identifiers: ClinVar variation 3685913 (VCV003685913.2).

ClinVar aggregate classification (germline): Pathogenic (1 of 4 stars; one submission).

Conditions:
Dilated cardiomyopathy 1J (CMD1J). Also called: CARDIOMYOPATHY, DILATED, WITH SENSORINEURAL HEARING LOSS, AUTOSOMAL DOMINANT. Identifiers: Orphanet 217622, MedGen C1854368, MONDO:0011541, OMIM 605362.

Submission:

Labcorp Genetics (formerly Invitae), Labcorp
Classification: Pathogenic for Dilated cardiomyopathy 1J. Last evaluated: 2024-04-12. Review status: criteria provided, single submitter. Criteria: Invitae Variant Classification Sherloc (09022015). Collection method: clinical testing. Allele origin: germline.
Comment: This sequence change creates a premature translational stop signal (p.Ser206Trpfs*38) in the EYA4 gene. It is expected to result in an absent or disrupted protein product. Loss-of-function variants in EYA4 are known to be pathogenic (PMID: 11159937, 25781927, 25963406). This variant is not present in population databases (gnomAD no frequency). This variant has not been reported in the literature in individuals affected with EYA4-related conditions. For these reasons, this variant has been classified as Pathogenic.

Literature cited by the submitters: PubMed 11159937; PubMed 25781927; PubMed 25963406.